The following is an entry in ClinVar:

NM_007198.4(PLPBP):c.597+4C>G

Gene: PLPBP (pyridoxal phosphate binding protein; plus strand). Cytogenetic location: 8p11.23.
Variant type: single nucleotide variant.
Coding change: c.597+4C>G on transcript NM_007198.4 (MANE Select); 4 bases into the intron after coding-DNA position 597, C replaced by G.
Molecular consequence: intron variant.
Genome position (GRCh38, 1-based): chr8:37,775,485, C>G. VCF-style: chr8-37775485-C-G. GRCh37 (hg19) VCF-style: chr8-37633003-C-G.
Other names: c.627+4C>G (NM_001349346.2); c.591+4C>G (NM_001349347.2); c.441+4C>G (NM_001349348.2).
Identifiers: ClinVar variation 2000399 (VCV002000399.4), dbSNP rs769416171, ClinGen allele CA2580078215.

ClinVar aggregate classification (germline): Uncertain significance (1 of 4 stars; one submission).

Submission:

Labcorp Genetics (formerly Invitae), Labcorp
Classification: Uncertain significance. Last evaluated: 2022-05-29. Review status: criteria provided, single submitter. Criteria: Invitae Variant Classification Sherloc (09022015). Collection method: clinical testing. Allele origin: germline.
Comment: This variant is not present in population databases (gnomAD no frequency). This variant has not been reported in the literature in individuals affected with PROSC-related conditions. Variants that disrupt the consensus splice site are a relatively common cause of aberrant splicing (PMID: 17576681, 9536098). Algorithms developed to predict the effect of sequence changes on RNA splicing suggest that this variant is not likely to affect RNA splicing. In summary, the available evidence is currently insufficient to determine the role of this variant in disease. Therefore, it has been classified as a Variant of Uncertain Significance. This sequence change falls in intron 6 of the PROSC gene. It does not directly change the encoded amino acid sequence of the PROSC protein. It affects a nucleotide within the consensus splice site.

Literature cited by the submitters: PubMed 17576681; PubMed 9536098.